The following is an entry in ClinVar:

ClinVar aggregate classification (germline): Uncertain significance (1 of 4 stars; one submission).

Conditions:
Leukocyte adhesion deficiency type II. Also called: CONGENITAL DISORDER OF GLYCOSYLATION, TYPE IIc; CDG IIc; Congenital disorder of glycosylation type 2C; CDG 2C; Leukocyte adhesion deficiency type 2; Rambam Hasharon syndrome. Identifiers: Orphanet 2968, Orphanet 99843, MedGen C0398739, MONDO:0009953, OMIM 266265.

Allele frequency attached by ClinVar (database versions not stated): gnomAD exomes below 0.00001.
gnomAD v4.1: 1 of 1,613,262 alleles (0.000062%); highest among the groups gnomAD compares: Non-Finnish European, 0.000085%; no homozygotes.

Submission:

Labcorp Genetics (formerly Invitae), Labcorp
Classification: Uncertain significance for Leukocyte adhesion deficiency type II. Last evaluated: 2024-10-26. Review status: criteria provided, single submitter. Criteria: Invitae Variant Classification Sherloc (09022015). Collection method: clinical testing. Allele origin: germline.
Comment: This sequence change replaces glycine, which is neutral and non-polar, with valine, which is neutral and non-polar, at codon 285 of the SLC35C1 protein (p.Gly285Val). This variant is present in population databases (no rsID available, gnomAD 0.0009%). This variant has not been reported in the literature in individuals affected with SLC35C1-related conditions. ClinVar contains an entry for this variant (Variation ID: 2083381). Invitae Evidence Modeling of protein sequence and biophysical properties (such as structural, functional, and spatial information, amino acid conservation, physicochemical variation, residue mobility, and thermodynamic stability) indicates that this missense variant is not expected to disrupt SLC35C1 protein function with a negative predictive value of 80%. In summary, the available evidence is currently insufficient to determine the role of this variant in disease. Therefore, it has been classified as a Variant of Uncertain Significance.

NM_018389.5(SLC35C1):c.854G>T (p.Gly285Val)

Gene: SLC35C1 (solute carrier family 35 member C1; plus strand). Cytogenetic location: 11p11.2.
Variant type: single nucleotide variant.
Coding change: c.854G>T on transcript NM_018389.5 (MANE Select); coding-DNA position 854, G replaced by T.
Protein change: p.Gly285Val; replaces glycine 285 with valine.
Molecular consequence: missense variant.
Genome position (GRCh38, 1-based): chr11:45,811,094, G>T. VCF-style: chr11-45811094-G-T. GRCh37 (hg19) VCF-style: chr11-45832645-G-T.
Other names: c.815G>T, p.Gly272Val (NM_001145265.2, NM_001145266.2); short protein forms G272V, G285V.
Identifiers: ClinVar variation 2083381 (VCV002083381.4), dbSNP rs1377122884, ClinGen allele CA380206439.
Genomic context (GRCh38, chr11:45,811,094, plus strand): 5'-ACTTCTGGGGGATGATGACGCTGGGCGGCCTGTTTGGCTTTGCCATCGGCTACGTGACAG[G>T]ACTGCAGATCAAGTTCACCAGTCCGCTGACCCACAATGTGTCGGGCACGGCCAAGGCCTG-3'
Protein context (NP_060859.4, residues 275-295): LFGFAIGYVT[Gly285Val]LQIKFTSPLT